The following is an entry in ClinVar:

ClinVar aggregate classification (germline): Uncertain significance (1 of 4 stars; one submission).

Conditions:
Hereditary pancreatitis (PCTT). Also called: Hereditary chronic pancreatitis; PRSS1-Related Hereditary Pancreatitis. Identifiers: Orphanet 676, MedGen C0238339, MONDO:0008185, OMIM 167800.

Submission:

Ambry Genetics
Classification: Uncertain significance for Hereditary pancreatitis. Last evaluated: 2022-11-10. Review status: criteria provided, single submitter. Criteria: Ambry Variant Classification Scheme 2023. Collection method: clinical testing. Allele origin: germline.
Comment: The p.G345W variant (also known as c.1033G>T), located in coding exon 9 of the CPA1 gene, results from a G to T substitution at nucleotide position 1033. The glycine at codon 345 is replaced by tryptophan, an amino acid with highly dissimilar properties. This amino acid position is conserved. In addition, the in silico prediction for this alteration is inconclusive. Since supporting evidence is limited at this time, the clinical significance of this alteration remains unclear.

NM_001868.4(CPA1):c.1033G>T (p.Gly345Trp)

Gene: CPA1 (carboxypeptidase A1; plus strand). Cytogenetic location: 7q32.2.
Variant type: single nucleotide variant.
Coding change: c.1033G>T on transcript NM_001868.4 (MANE Select); coding-DNA position 1033, G replaced by T.
Protein change: p.Gly345Trp; replaces glycine 345 with tryptophan.
Molecular consequence: missense variant.
Genome position (GRCh38, 1-based): chr7:130,385,884, G>T. VCF-style: chr7-130385884-G-T. GRCh37 (hg19) VCF-style: chr7-130025725-G-T.
Other names: short protein forms G345W.
Identifiers: ClinVar variation 2448256 (VCV002448256.2), dbSNP rs1269904343, ClinGen allele CA369284063.